The following is an entry in ClinVar:

NM_000465.4(BARD1):c.1278_1279del (p.His426fs)

Gene: BARD1 (BRCA1 associated RING domain 1; minus strand). Cytogenetic location: 2q35.
Variant type: Deletion.
Coding change: c.1278_1279del on transcript NM_000465.4 (MANE Select); coding-DNA positions 1278 to 1279, 2 bases deleted (TA; older notation c.1278_1279delTA).
Protein change: p.His426fs; shifts the reading frame from histidine 426.
Molecular consequence: frameshift variant. On other transcripts: non-coding transcript variant (2), intron variant (3).
Genome position (GRCh38, 1-based): chr2:214,780,595-214,780,596, TA deleted on the plus strand (TA on the coding strand, the reverse complement: BARD1 is on the minus strand); deleting any 2 consecutive bases within chr2:214,780,595-214,780,597 gives the same sequence; the c. name uses the placement nearest the transcript's 3' end. VCF-style (leftmost placement, unchanged base first): chr2-214780594-CTA-C. GRCh37 (hg19) VCF-style: chr2-215645318-CTA-C.
Other names: c.1221_1222del, p.His407fs (NM_001282543.2); c.159-28041_159-28040del (NM_001282548.2); c.215+16465_215+16466del (NM_001282545.2); c.364+11701_364+11702del (NM_001282549.2); short protein forms H407fs, H426fs.
Identifiers: ClinVar variation 944394 (VCV000944394.8), dbSNP rs1694939675, ClinGen allele CA1139655694.

ClinVar aggregate classification (germline): Pathogenic (1 of 4 stars; one submission).

Conditions:
Familial cancer of breast. Also called: hereditary breast carcinoma; BREAST CANCER, FAMILIAL; Hereditary breast cancer. Identifiers: Orphanet 227535, MedGen C0346153, MONDO:0016419, OMIM 114480. Disease mechanism: loss of function.

Submission:

Labcorp Genetics (formerly Invitae), Labcorp
Classification: Pathogenic for Familial cancer of breast. Last evaluated: 2019-05-27. Review status: criteria provided, single submitter. Criteria: Invitae Variant Classification Sherloc (09022015). Collection method: clinical testing. Allele origin: germline.
Comment: This sequence change creates a premature translational stop signal (p.His426Glnfs*12) in the BARD1 gene. It is expected to result in an absent or disrupted protein product. This variant is not present in population databases (ExAC no frequency). For these reasons, this variant has been classified as Pathogenic. Loss-of-function variants in BARD1 are known to be pathogenic (PMID: 20077502, 21344236). This variant has not been reported in the literature in individuals with BARD1-related conditions.

Literature cited by the submitters: PubMed 20077502; PubMed 21344236.